The following is an entry in ClinVar:

NM_002637.4(PHKA1):c.1715-127A>G

Gene: PHKA1 (phosphorylase kinase regulatory subunit alpha 1; minus strand). Cytogenetic location: Xq13.1.
Variant type: single nucleotide variant.
Coding change: c.1715-127A>G on transcript NM_002637.4 (MANE Select); 127 bases into the intron before coding-DNA position 1715, A replaced by G.
Molecular consequence: intron variant.
Genome position (GRCh38, 1-based): chrX:72,627,176, T>C on the plus strand (A>G on the coding strand, the complement: PHKA1 is on the minus strand). VCF-style: chrX-72627176-T-C. GRCh37 (hg19) VCF-style: chrX-71847026-T-C.
Other names: c.1715-127A>G (NM_001172436.2, NM_001122670.2).
Identifiers: ClinVar variation 676225 (VCV000676225.2), dbSNP rs35359441, ClinGen allele CA331061007.
Genomic context (GRCh38, chrX:72,627,176, plus strand): 5'-AATTATTTCAAATCAACATTCTGGTGGTTACAATACAAATGAGACACTCCTCATTGACCA[T>C]CCTGATTTTAACAATTCATCTGAGAGCCAACAACACTTAAGAATGGGTAAATGGTAAGGG-3'

ClinVar aggregate classification (germline): Benign. Review status: criteria provided, multiple submitters, no conflicts (2 of 4 stars). 2 submissions from 2 submitters: Benign (2). Last evaluated 2018-06-19.

Allele frequency attached by ClinVar (database versions not stated): TOPMed 0.11752; 1000 Genomes Project 30x 0.25869; 1000 Genomes Project 0.26861; gnomAD 0.08003 and 0.09057; gnomAD exomes 0.09945.
gnomAD v4.1: 51,794 of 534,760 alleles (9.7%); highest among the groups gnomAD compares: East Asian, 68%; 7,072 homozygotes.

Submissions (2):

GeneDx
Classification: Benign. Last evaluated: 2018-06-19. Review status: criteria provided, single submitter. Criteria: GeneDx Variant Classification (06012015). Collection method: clinical testing. Allele origin: germline. Affected: yes.
Comment: This variant is considered likely benign or benign based on one or more of the following criteria: it is a conservative change, it occurs at a poorly conserved position in the protein, it is predicted to be benign by multiple in silico algorithms, and/or has population frequency not consistent with disease.

Breakthrough Genomics
Classification: Benign. Review status: criteria provided, single submitter. Criteria: ACMG Guidelines, 2015. Collection method: not provided. Allele origin: germline. Inheritance: X-linked inheritance. Affected: yes.